The following is an entry in ClinVar:

ClinVar aggregate classification (germline): Uncertain significance (1 of 4 stars; one submission).

Conditions:
Inborn genetic diseases. Identifiers: MedGen C0950123, MeSH D030342.

Allele frequency attached by ClinVar (database versions not stated): gnomAD 0.00001; ExAC 0.00002; 1000 Genomes Project 30x 0.00016; 1000 Genomes Project 0.00020.
gnomAD v4.1: 1 of 1,600,638 alleles (0.000062%); highest among the groups gnomAD compares: Non-Finnish European, 0.000085%; no homozygotes.

Submission:

Ambry Genetics
Classification: Uncertain significance for Inborn genetic diseases. Last evaluated: 2017-07-27. Review status: criteria provided, single submitter. Criteria: Ambry Variant Classification Scheme 2023. Collection method: clinical testing. Allele origin: germline.
Comment: The p.I1643V variant (also known as c.4927A>G), located in coding exon 30 of the CREBBP gene, results from an A to G substitution at nucleotide position 4927. The isoleucine at codon 1643 is replaced by valine, an amino acid with highly similar properties. This amino acid position is not well conserved in available vertebrate species. In addition, this alteration is predicted to be tolerated by in silico analysis. Since supporting evidence is limited at this time, the clinical significance of this alteration remains unclear.

NM_004380.3(CREBBP):c.4927A>G (p.Ile1643Val)

Gene: CREBBP (CREB binding protein; minus strand). Cytogenetic location: 16p13.3.
Variant type: single nucleotide variant.
Coding change: c.4927A>G on transcript NM_004380.3 (MANE Select); coding-DNA position 4927, A replaced by G.
Protein change: p.Ile1643Val; replaces isoleucine 1643 with valine.
Molecular consequence: missense variant.
Genome position (GRCh38, 1-based): chr16:3,731,437, T>C on the plus strand (A>G on the coding strand, the complement: CREBBP is on the minus strand). VCF-style: chr16-3731437-T-C. GRCh37 (hg19) VCF-style: chr16-3781438-T-C.
Other names: c.4813A>G, p.Ile1605Val (NM_001079846.1); short protein forms I1643V, I1605V.
Identifiers: ClinVar variation 1744159 (VCV001744159.2), dbSNP rs547109428, ClinGen allele CA7869380.